The following is an entry in ClinVar:

ClinVar aggregate classification (germline): Uncertain significance (1 of 4 stars; one submission).

Allele frequency attached by ClinVar (database versions not stated): gnomAD exomes below 0.00001; TOPMed 0.00001.
gnomAD v4.1: 5 of 1,198,407 alleles (0.00042%); highest among the groups gnomAD compares: Admixed American, 0.0023%; no homozygotes.

Submission:

Labcorp Genetics (formerly Invitae), Labcorp
Classification: Uncertain significance. Last evaluated: 2022-05-03. Review status: criteria provided, single submitter. Criteria: Invitae Variant Classification Sherloc (09022015). Collection method: clinical testing. Allele origin: germline.
Comment: In summary, the available evidence is currently insufficient to determine the role of this variant in disease. Therefore, it has been classified as a Variant of Uncertain Significance. Algorithms developed to predict the effect of missense changes on protein structure and function are either unavailable or do not agree on the potential impact of this missense change (SIFT: "Deleterious"; PolyPhen-2: "Possibly Damaging"; Align-GVGD: "Class C0"). ClinVar contains an entry for this variant (Variation ID: 1021510). This variant has not been reported in the literature in individuals affected with NYX-related conditions. This variant is not present in population databases (gnomAD no frequency). This sequence change replaces lysine, which is basic and polar, with asparagine, which is neutral and polar, at codon 419 of the NYX protein (p.Lys419Asn).

NM_001378477.3(NYX):c.1242G>T (p.Lys414Asn)

Gene: NYX (nyctalopin; plus strand). Cytogenetic location: Xp11.4.
Variant type: single nucleotide variant.
Coding change: c.1242G>T on transcript NM_001378477.3 (MANE Select); coding-DNA position 1242, G replaced by T.
Protein change: p.Lys414Asn; replaces lysine 414 with asparagine.
Molecular consequence: missense variant.
Genome position (GRCh38, 1-based): chrX:41,474,710, G>T. VCF-style: chrX-41474710-G-T. GRCh37 (hg19) VCF-style: chrX-41333963-G-T.
Other names: c.1242G>T, p.Lys414Asn (NM_022567.3); short protein forms K414N.
Identifiers: ClinVar variation 1021510 (VCV001021510.8), dbSNP rs1417578979, ClinGen allele CA412993306.
Genomic context (GRCh38, chrX:41,474,710, plus strand): 5'-AGGCCCGTCCCCAGAACCAGCGGCCACCACCGTGAGCAGGTTCAGCAGCCTCCTCTCCAA[G>T]CTGCTGGCCCCGAGGGTCCCGGTGGAGGAGGCGGCCAACACCACTGGGGGGCTGGCCAAC-3'
Protein context (NP_001365406.2, residues 404-424): TVSRFSSLLS[Lys414Asn]LLAPRVPVEE